The following continues an entry in ClinVar:

NM_000059.4(BRCA2):c.5616_5620del (p.Lys1872fs)

Gene: BRCA2. ClinVar aggregate classification (germline): Pathogenic. Pathogenic (1).

Submissions 7 to 18 of 31:

All of Us Research Program, National Institutes of Health
Classification: Pathogenic for BRCA2-related cancer predisposition. Last evaluated: 2024-09-16. Review status: criteria provided, single submitter. Criteria: ACMG Guidelines, 2015. Collection method: clinical testing. Allele origin: germline. Inheritance: Autosomal dominant inheritance. Observed: 2 variant alleles, 2 heterozygotes. Not counted in ClinVar's aggregate classification.
Comment: The c.5616_5620del (p.Lys1872Asnfs*2) variant in the BRCA2 gene is located on the exon 11 and is predicted to shift the reading frame that introduces a premature translation termination codon (p.Lys1872Asnfs*2), resulting in an absent or disrupted protein product. The variant has been reported in multiple individuals with breast and/or ovarian cancer (PMID: 31415627, 28528518, 35734436, 29240602, 30128899, 30257646). Loss-of-function variants of BRCA2 are known to be pathogenic (PMID: 8988179, 11897832, 29446198). The variant is reported in ClinVar as pathogenic (ID: 51892) and reviewed by the expert panel. The variant is rare in general population according to gnomAD (1/247384). Therefore, the c.5616_5620del (p.Lys1872Asnfs*2) variant in the BRCA2 gene has been classified as pathogenic.

This study involves interpretation of variants in research participants for the purpose of population health screening. Participant phenotype was not available at the time of variant classification. Additional details can be found in publication PMID: 35346344, PMCID: PMC8962531

Color Diagnostics, LLC DBA Color Health
Classification: Pathogenic for Hereditary cancer-predisposing syndrome. Last evaluated: 2024-07-10. Review status: criteria provided, single submitter. Criteria: ACMG Guidelines, 2015. Collection method: clinical testing. Allele origin: germline. Not counted in ClinVar's aggregate classification.
Comment: This variant deletes 5 nucleotides in exon 11 of the BRCA2 gene, creating a frameshift and premature translation stop signal. This variant is expected to result in an absent or non-functional protein product. This variant has been reported in more than 10 individuals affected with breast cancer and 1 individual affected with prostate cancer (PMID: 15533909, 20104584, 24742220, 25428789, 26681312, 27831900, 28008555, 28528518, 30257646, Color internal data). This variant has been identified in 1/247384 chromosomes in the general population by the Genome Aggregation Database (gnomAD). Loss of BRCA2 function is a known mechanism of disease. Based on the available evidence, this variant is classified as Pathogenic.

Baylor Genetics
Classification: Pathogenic for Familial cancer of breast. Last evaluated: 2024-03-16. Review status: criteria provided, single submitter. Criteria: ACMG Guidelines, 2015. Collection method: clinical testing. Allele origin: unknown. Not counted in ClinVar's aggregate classification.

GeneDx
Classification: Pathogenic. Last evaluated: 2024-01-23. Review status: criteria provided, single submitter. Criteria: GeneDx Variant Classification Process June 2021. Collection method: clinical testing. Allele origin: germline. Affected: yes. Not counted in ClinVar's aggregate classification.
Comment: Frameshift variant predicted to result in protein truncation or nonsense mediated decay in a gene for which loss-of-function is a known mechanism of disease; Truncating variants in this gene are considered pathogenic by a well-established clinical consortium and/or database; Not observed at a significant frequency in large population cohorts (gnomAD); Observed in individuals with BRCA2-related cancers (PMID: 26287763, 20104584, 21643751, 24742220, 25726062, 27831900, 28528518, 28008555, 31325073, 35264596, 30257646); Also known as 5844del5 and 5611_5615del; This variant is associated with the following publications: (PMID: 26681312, 15533909, 24742220, 20104584, 21643751, 25726062, 28008555, 27831900, 25428789, 28528518, 28724667, 26295337, 26287763, 30128899, 29907814, 30720243, 31325073, 31415627, 31019283, 32318955, 30787465, 31825140, 35264596, 30257646)

Institute of Human Genetics, Clinical Exome/Genome Diagnostics Group, University Hospital Bonn
Classification: Pathogenic for Familial cancer of breast; Breast-ovarian cancer, familial, susceptibility to, 2; Medulloblastoma; Familial prostate cancer; Wilms tumor 1; Fanconi anemia complementation group D1; Glioma susceptibility 3. Last evaluated: 2024-01-18. Review status: criteria provided, single submitter. Criteria: ACMG Guidelines, 2015. Collection method: clinical testing. Allele origin: maternal. Not counted in ClinVar's aggregate classification.

Institute of Human Genetics, FAU Erlangen, Friedrich-Alexander-Universität Erlangen-Nürnberg
Classification: Pathogenic. Last evaluated: 2023-11-22. Review status: criteria provided, single submitter. Criteria: Hauer et al. (Genet Med. 2018). Collection method: clinical testing. Allele origin: germline. Inheritance: Unknown mechanism. Affected: yes. Observed: 1 variant allele. Not counted in ClinVar's aggregate classification.
Comment: This variant has been identified by standard clinical testing.

Quest Diagnostics Nichols Institute San Juan Capistrano
Classification: Pathogenic. Last evaluated: 2023-07-12. Review status: criteria provided, single submitter. Criteria: Quest Diagnostics criteria. Collection method: clinical testing. Allele origin: unknown. Not counted in ClinVar's aggregate classification.
Comment: The BRCA2 c.5616_5620del (p.Lys1872Asnfs*2) variant alters the translational reading frame of the BRCA2 mRNA and causes the premature termination of BRCA2 protein synthesis. This variant has been reported in the published literature in individuals with breast cancer (PMID: 36329109 (2022), 32318955 (2020), 32866190 (2020), 30128899 (2018), 28528518 (2017), 28724667 (2017), 26681312 (2015), 25428789 (2015), 24742220 (2014), 20104584 (2010), 15533909 (2004)) and male breast cancer (PMID: 28008555 (2017)). The frequency of this variant in the general population, 0.000004 (1/247384 chromosomes (Genome Aggregation Database)), is consistent with pathogenicity. Based on the available information, this variant is classified as pathogenic.

Laboratory for Molecular Medicine, Mass General Brigham Personalized Medicine
Classification: Pathogenic for Hereditary breast ovarian cancer syndrome. Last evaluated: 2023-06-07. Review status: criteria provided, single submitter. Criteria: ACMG Guidelines, 2015. Collection method: clinical testing. Allele origin: germline. Not counted in ClinVar's aggregate classification.
Comment: The p.Lys1872AsnfsX2 variant in BRCA2 has been reported in >10 individuals with BRCA2 associated cancers (Pal 2004 PMID:15533909, Borg 2010 PMID:20104584, Hernandez 2014 PMID:24742220, Churpek 2015 PMID:25428789, Susswein 2015 PMID:26681312, Sun 2017 PMID:28724667, Cock-Rada 2018 PMID:28528518, Breast Cancer Information Core (BIC) database). This variant has also been identified in 0.005% (2/41432) of African/African American chromosomes by gnomAD (v3.1.2). This frequency is low enough to be consistent with the frequency of hereditary breast and ovarian cancer (HBOC) in the general population. This variant is predicted to cause a frameshift, which alters the protein’s amino acid sequence beginning at position 1872 and leads to a premature termination codon 2 amino acids downstream. This alteration is then predicted to lead to a truncated or absent protein. Heterozygous loss of function of the BRCA2 gene is an established disease mechanism for HBOC. Additionally, this variant was classified as pathogenic on Sep 08, 2016 by the ClinGen-approved ENIGMA expert panel (Variation ID 51892). In summary, this variant meets criteria to be classified as pathogenic for autosomal dominant. ACMG/AMP criteria applied: PS4_Moderate, PM2_Supporting, PVS1.

Fulgent Genetics
Classification: Pathogenic for Familial cancer of breast; Medulloblastoma; Familial prostate cancer; Wilms tumor 1; Fanconi anemia complementation group D1; Breast-ovarian cancer, familial, susceptibility to, 2; Glioma susceptibility 3; Pancreatic cancer, susceptibility to, 2. Last evaluated: 2022-03-10. Review status: criteria provided, single submitter. Criteria: ACMG Guidelines, 2015. Collection method: clinical testing. Allele origin: unknown. Not counted in ClinVar's aggregate classification.

Dasa
Classification: Pathogenic for BRCA2-related disorder. Last evaluated: 2022-03-05. Review status: criteria provided, single submitter. Criteria: ACMG Guidelines, 2015. Collection method: clinical testing. Allele origin: germline. Affected: yes. Observed: 1 variant allele. Not counted in ClinVar's aggregate classification.
Comment: The c.5616_5620del ;p.(Lys1872Asnfs*2) is a null frameshift variant (NMD) in the BRCA2 gene and predicts alteration of the nonsense-mediate decay - NMD is present in a relevant exon to the transcript - PVS1. This sequence change has been observed in affected individual(s) and ClinVar contains an entry for this variant (Clinvar ID: 51892; PMID: 28008555; PMID: 26287763; PMID: 26681312; PMID: 27831900; PMID: 20104584)PS4. The variant is present at low allele frequencies population databases (rs80359525 – gnomAD 0.0001315%; ABraOM no frequency.) - PM2_supporting. In summary, the currently available evidence indicates that the variant is pathogenic.

Sema4
Classification: Pathogenic for Hereditary cancer-predisposing syndrome. Last evaluated: 2021-12-22. Review status: criteria provided, single submitter. Criteria: Sema4 Curation Guidelines. Collection method: curation. Allele origin: germline. Not counted in ClinVar's aggregate classification.
Comment: This variant is also known as 5844del5 in the literature. This variant causes a frameshift at amino acid 1872 that results in premature termination 2 amino acids downstream. At this location, This alteration is expected to result in loss of function by premature protein truncation or nonsense-mediated mRNA decay. Loss of function variants in BRCA2 are known to be pathogenic (PMID: 29446198). It was observed in 1/16090 chromosomes of the African/African American subpopulation in the large and broad cohorts of the Genome Aggregation Database (PMID: 32461654). This variant has been reported in ClinVar (Variation ID: 51892). Based on the current evidence available, this variant is interpreted as pathogenic.

Genetics Program, Instituto Nacional de Cancer
Classification: Pathogenic for Hereditary breast ovarian cancer syndrome. Last evaluated: 2021-11-01. Review status: criteria provided, single submitter. Criteria: ACMG Guidelines, 2015. Collection method: research. Allele origin: germline. Affected: yes. Not counted in ClinVar's aggregate classification.